The following is an entry in ClinVar:

NM_000031.6(ALAD):c.*613G>A

Gene: ALAD (aminolevulinate dehydratase; minus strand). Cytogenetic location: 9q32.
Variant type: single nucleotide variant.
Coding change: c.*613G>A on transcript NM_000031.6 (MANE Select); 613 bases downstream of the stop codon, G replaced by A.
Molecular consequence: 3 prime UTR variant.
Genome position (GRCh38, 1-based): chr9:113,387,687, C>T on the plus strand (G>A on the coding strand, the complement: ALAD is on the minus strand). VCF-style: chr9-113387687-C-T. GRCh37 (hg19) VCF-style: chr9-116149967-C-T.
Other names: c.*613G>A (NM_001003945.3, NM_001317745.2).
Identifiers: ClinVar variation 364631 (VCV000364631.6), dbSNP rs818707, ClinGen allele CA10632280.

ClinVar aggregate classification (germline): Benign. Review status: criteria provided, multiple submitters, no conflicts (2 of 4 stars). 2 submissions from 2 submitters: Benign (2). Last evaluated 2018-01-12.

Conditions:
Porphobilinogen synthase deficiency. Also called: ALAD DEFICIENCY; DELTA-AMINOLEVULINATE DEHYDRATASE DEFICIENCY; DOSS PORPHYRIA; PORPHYRIA, ALAD; Porphyria due to ALA dehydratase deficiency. Identifiers: Orphanet 100924, MedGen C0268328, MONDO:0013000, OMIM 612740.

Allele frequency attached by ClinVar (database versions not stated): gnomAD 0.09204 and 0.08941; TOPMed 0.08941; 1000 Genomes Project 30x 0.08994; 1000 Genomes Project 0.09046; gnomAD exomes 0.09830.

Submissions (2):

Illumina Laboratory Services, Illumina
Classification: Benign for Porphobilinogen synthase deficiency. Last evaluated: 2018-01-12. Review status: criteria provided, single submitter. Criteria: ICSL Variant Classification Criteria 13 December 2019. Collection method: clinical testing. Allele origin: germline.
Comment: This variant was observed in the ICSL laboratory as part of a predisposition screen in an ostensibly healthy population. It had not been previously curated by ICSL or reported in the Human Gene Mutation Database (HGMD: prior to June 1st, 2018), and was therefore a candidate for classification through an automated scoring system. Utilizing variant allele frequency, disease prevalence and penetrance estimates, and inheritance mode, an automated score was calculated to assess if this variant is too frequent to cause the disease. Based on the score and internal cut-off values, a variant classified as benign is not then subjected to further curation. The score for this variant resulted in a classification of benign for this disease.

Breakthrough Genomics
Classification: Benign. Review status: criteria provided, single submitter. Criteria: ACMG Guidelines, 2015. Collection method: not provided. Allele origin: germline. Inheritance: Autosomal recessive inheritance. Affected: yes.